The following is an entry in ClinVar:

ClinVar aggregate classification (germline): Uncertain significance (1 of 4 stars; one submission).

Conditions:
Familial thoracic aortic aneurysm and aortic dissection (TAAD). Also called: Thoracic aortic aneurysms and dissections. Identifiers: Orphanet 91387, MedGen C4707243, MONDO:0019625.

Submission:

Ambry Genetics
Classification: Uncertain significance for Familial thoracic aortic aneurysm and aortic dissection. Last evaluated: 2024-05-30. Review status: criteria provided, single submitter. Criteria: Ambry Variant Classification Scheme 2023. Collection method: clinical testing. Allele origin: germline.
Comment: The c.443-2_443-1insTGTA intronic variant is located 1 nucleotide(s) before coding exon 5 in the FBN1 gene. This variant results from an insertion of 4 nucleotides at positions c.443-2 to c.443-1. This variant does not change the sequence of the canonical acceptor at this splice site. These nucleotide positions surrounding this insertion are moderately conserved in available vertebrate species. In silico splice site analysis predicts that this alteration may weaken the native splice acceptor site. Based on the available evidence, the clinical significance of this variant remains unclear.

NM_000138.5(FBN1):c.443-2_443-1insATGT

Gene: FBN1 (fibrillin 1; minus strand). Cytogenetic location: 15q21.1.
Variant type: Insertion.
Coding change: c.443-2_443-1insATGT on transcript NM_000138.5 (MANE Select); the canonical splice acceptor site of the intron before coding-DNA position 443, ATGT inserted.
Molecular consequence: splice acceptor variant.
Genome position: GRCh38 VCF-style: chr15-48596379-C-CTACA. GRCh37 (hg19) VCF-style: chr15-48888576-C-CTACA.
Other names: c.443-2_443-1insATGT (NM_001406716.1, NM_001406717.1).
Identifiers: ClinVar variation 3277951 (VCV003277951.1).
Genomic context (GRCh38, chr15:48,596,379, plus strand): 5'-ATGCACATCGATTTGGGGCCACACACCTTCCTCCATTGAGACAGCCACTTTCACAAACAG[C>CTACA]TGTAAAATAAGGAGAGAGCTGAGACGCTTTACCTGAAAATAAATGCTAATGAAGTAACAC-3'